The following is an entry in ClinVar:

NM_001378454.1(ALMS1):c.12250A>G (p.Arg4084Gly)

Genes: ALMS1 (ALMS1 centrosome and basal body associated protein; plus strand), LOC126806252 (BRD4-independent group 4 enhancer GRCh37_chr2:73828496-73829695; plus strand). Cytogenetic location: 2p13.1.
Variant type: single nucleotide variant.
Coding change: c.12250A>G on transcript NM_001378454.1 (MANE Select); coding-DNA position 12250, A replaced by G.
Protein change: p.Arg4084Gly; replaces arginine 4084 with glycine.
Molecular consequence: missense variant.
Genome position (GRCh38, 1-based): chr2:73,602,320, A>G. VCF-style: chr2-73602320-A-G. GRCh37 (hg19) VCF-style: chr2-73829447-A-G.
Other names: c.12253A>G, p.Arg4085Gly (NM_015120.4); short protein forms R4084G, R4085G.
Identifiers: ClinVar variation 1310708 (VCV001310708.3), dbSNP rs2104200104, ClinGen allele CA347268457.

ClinVar aggregate classification (germline): Uncertain significance. Review status: criteria provided, single submitter (1 of 4 stars). 2 submissions from 2 submitters: Uncertain significance (1). 1 of the submissions does not count toward it. Last evaluated 2019-09-13.

Conditions:
Alstrom syndrome (ALMS). Identifiers: Orphanet 64, MedGen C0268425, MONDO:0008763, OMIM 203800.

Submissions (2):

GeneDx
Classification: Uncertain significance. Last evaluated: 2019-09-13. Review status: criteria provided, single submitter. Criteria: GeneDx Variant Classification Process June 2021. Collection method: clinical testing. Allele origin: germline. Affected: yes.
Comment: Not observed in large population cohorts (Lek et al., 2016); In silico analysis, which includes protein predictors and evolutionary conservation, supports that this variant does not alter protein structure/function; Has not been previously published as pathogenic or benign to our knowledge

Natera, Inc.
Classification: Uncertain significance for Alstrom syndrome. Last evaluated: 2025-01-09. Review status: no assertion criteria provided. Collection method: clinical testing. Allele origin: germline. Not counted in ClinVar's aggregate classification.